The following is an entry in ClinVar:

ClinVar aggregate classification (germline): Uncertain significance (1 of 4 stars; one submission).

Submission:

GeneDx
Classification: Uncertain significance. Last evaluated: 2019-07-02. Review status: criteria provided, single submitter. Criteria: GeneDx Variant Classification Process June 2021. Collection method: clinical testing. Allele origin: germline. Affected: yes.
Comment: Not observed in large population cohorts (Lek et al., 2016); In silico analysis, which includes protein predictors and evolutionary conservation, supports a deleterious effect; Has not been previously published as pathogenic or benign to our knowledge

NM_001166114.2(PNPLA6):c.2047G>C (p.Gly683Arg)

Gene: PNPLA6 (patatin like phospholipase domain containing 6; plus strand). Cytogenetic location: 19p13.2.
Variant type: single nucleotide variant.
Coding change: c.2047G>C on transcript NM_001166114.2 (MANE Select); coding-DNA position 2047, G replaced by C.
Protein change: p.Gly683Arg; replaces glycine 683 with arginine.
Molecular consequence: missense variant.
Genome position (GRCh38, 1-based): chr19:7,550,617, G>C. VCF-style: chr19-7550617-G-C. GRCh37 (hg19) VCF-style: chr19-7615503-G-C.
Other names: c.2074G>C, p.Gly692Arg (NM_001166111.2); c.1852G>C, p.Gly618Arg (NM_001166112.2); c.1930G>C, p.Gly644Arg (NM_001166113.1, NM_006702.5); short protein forms G618R, G644R, G683R, G692R.
Identifiers: ClinVar variation 1306865 (VCV001306865.2), dbSNP rs2146088513, ClinGen allele CA403123803.
Genomic context (GRCh38, chr19:7,550,617, plus strand): 5'-GGGCGGCTGCGTAGCGTGATCCAGCGAGGCAGTGGCAAGAAGGAGCTGGTGGGCGAGTAC[G>C]GCCGCGGCGACCTCATCGGCGTGGTGAGCGCGACCCCCACCCACTGACCTCTGGCCTTTT-3'
Protein context (NP_001159586.1, residues 673-693): SGKKELVGEY[Gly683Arg]RGDLIGVVEA